The following is an entry in ClinVar:

ClinVar aggregate classification (germline): Uncertain significance (1 of 4 stars; one submission).

Conditions:
Inborn genetic diseases. Identifiers: MedGen C0950123, MeSH D030342.

Submission:

Ambry Genetics
Classification: Uncertain significance for Inborn genetic diseases. Last evaluated: 2026-06-27. Review status: criteria provided, single submitter. Criteria: Ambry Variant Classification Scheme 2023. Collection method: clinical testing. Allele origin: germline.
Comment: The p.K1504R variant (also known as c.4511A>G), located in coding exon 1 of the SAMD9 gene, results from an A to G substitution at nucleotide position 4511. The lysine at codon 1504 is replaced by arginine, an amino acid with highly similar properties. This amino acid position is conserved. In addition, this alteration is predicted to be tolerated by in silico analysis. Based on the available evidence, the clinical significance of this variant remains unclear.

NM_017654.4(SAMD9):c.4511A>G (p.Lys1504Arg)

Gene: SAMD9 (sterile alpha motif domain containing 9; minus strand). Cytogenetic location: 7q21.2.
Variant type: single nucleotide variant.
Coding change: c.4511A>G on transcript NM_017654.4 (MANE Select); coding-DNA position 4511, A replaced by G.
Protein change: p.Lys1504Arg; replaces lysine 1504 with arginine.
Molecular consequence: missense variant.
Genome position (GRCh38, 1-based): chr7:93,101,587, T>C on the plus strand (A>G on the coding strand, the complement: SAMD9 is on the minus strand). VCF-style: chr7-93101587-T-C. GRCh37 (hg19) VCF-style: chr7-92730900-T-C.
Other names: c.4511A>G, p.Lys1504Arg (NM_001193307.2); short protein forms K1504R.
Identifiers: ClinVar variation 5028741 (VCV005028741.1).